The following is an entry in ClinVar:

ClinVar aggregate classification (germline): Pathogenic/Likely pathogenic. Review status: criteria provided, multiple submitters, no conflicts (2 of 4 stars). 4 submissions from 4 submitters: Pathogenic (1); Likely pathogenic (3). Last evaluated 2024-11-22.

Conditions:
ECHS1-related disorders.
Mitochondrial short-chain Enoyl-Coa hydratase 1 deficiency. Also called: Mitochondrial Short-Chain Enoyl-CoA Hydratase Deficiency; ECHS1 deficiency; PxMD-ECHS1. Identifiers: Orphanet 255241, Orphanet 653880, MedGen C4225391, MONDO:0014563, OMIM 616277.

Allele frequency attached by ClinVar (database versions not stated): TOPMed below 0.00001; ExAC 0.00001; gnomAD exomes 0.00001 and 0.00008.

Submissions (4):

Blueprint Genetics
Classification: Likely pathogenic for ECHS1-related disorders. Last evaluated: 2024-11-22. Review status: criteria provided, single submitter. Criteria: ACMG Guidelines, 2015. Collection method: clinical testing. Allele origin: germline. Affected: yes. Observed: 4 variant alleles.

GeneDx
Classification: Pathogenic. Last evaluated: 2024-04-12. Review status: criteria provided, single submitter. Criteria: GeneDx Variant Classification Process June 2021. Collection method: clinical testing. Allele origin: germline. Affected: yes.
Comment: Not observed at significant frequency in large population cohorts (gnomAD); In silico analysis supports that this missense variant has a deleterious effect on protein structure/function; This variant is associated with the following publications: (PMID: 34988976, 32677093, 36064416, 36200804)

Victorian Clinical Genetics Services, Murdoch Childrens Research Institute
Classification: Likely pathogenic for Mitochondrial short-chain Enoyl-Coa hydratase 1 deficiency. Last evaluated: 2020-06-11. Review status: criteria provided, single submitter. Criteria: ACMG Guidelines, 2015. Collection method: clinical testing. Allele origin: germline. Affected: yes.
Comment: Based on the classification scheme VCGS_Germline_v1.1.1, this variant is classified as LIKELY PATHOGENIC. Following criteria are met: 0102 - Loss-of-function is a known mechanism of disease for this gene. (N) 0106 - This gene is known to be associated with autosomal recessive disease. (N) 0200 - Variant is predicted to result in a missense amino acid change from threonine to isoleucine (exon 8). (N) 0251 - Variant is heterozygous. (N) 0304 - Variant is present in gnomAD <0.01 for a recessive condition (2 heterozygotes, 0 homozygotes). (P) 0502 - Missense variant with conflicting in silico predictions and/or uninformative conservation. (N) 0600 - Variant is located in an annotated domain or motif (Enoyl-CoA hydratase/isomerase: PDB, NCBI). (N) 0705 - No comparable variants have previous evidence for pathogenicity. (N) 0803 - Low previous evidence of pathogenicity in unrelated individuals. The variant has been previously reported as likely pathogenic in two patients (ClinVar, VCGS). (P) 0905 - No segregation evidence has been identified for this variant. (N) 1007 - No published functional evidence has been identified for this variant. (N) 1201 - Heterozygous variant detected in trans with a second pathogenic heterozygous variant in a recessive disease. (N) Legend: (P) - Pathogenic, (N) - Neutral, (B) - Benign

Center of Genomic medicine, Geneva, University Hospital of Geneva
Classification: Likely pathogenic for Mitochondrial short-chain Enoyl-Coa hydratase 1 deficiency. Last evaluated: 2016-09-21. Review status: criteria provided, single submitter. Criteria: ACMG Guidelines, 2015. Collection method: clinical testing. Allele origin: germline. Affected: yes.
Comment: Following the recommendations of Richards et al. (2015), this variant is classified as a VUS. However, regarding the accordance with the clinical features of the patient due to its combination with the second variant in the ECHS1 gene, this variant was reclassified as a class 4 variant (probably pathogenic).

NM_004092.4(ECHS1):c.830C>T (p.Thr277Ile)

Gene: ECHS1 (enoyl-CoA hydratase, short chain 1; minus strand). Cytogenetic location: 10q26.3.
Variant type: single nucleotide variant.
Coding change: c.830C>T on transcript NM_004092.4 (MANE Select); coding-DNA position 830, C replaced by T.
Protein change: p.Thr277Ile; replaces threonine 277 with isoleucine.
Molecular consequence: missense variant.
Genome position (GRCh38, 1-based): chr10:133,362,911, G>A on the plus strand (C>T on the coding strand, the complement: ECHS1 is on the minus strand). VCF-style: chr10-133362911-G-A. GRCh37 (hg19) VCF-style: chr10-135176415-G-A.
Other names: short protein forms T277I.
Identifiers: ClinVar variation 397546 (VCV000397546.5), dbSNP rs775650144, ClinGen allele CA5765621.